The following is an entry in ClinVar:

NM_001953.5(TYMP):c.595del (p.Tyr199fs)

Gene: TYMP (thymidine phosphorylase; minus strand). Cytogenetic location: 22q13.33.
Variant type: Deletion.
Coding change: c.595del on transcript NM_001953.5 (MANE Select); coding-DNA position 595, one base deleted (T; older notation c.595delT).
Protein change: p.Tyr199fs; shifts the reading frame from tyrosine 199.
Molecular consequence: frameshift variant.
Genome position (GRCh38, 1-based): chr22:50,527,639, A deleted on the plus strand (T on the coding strand, the reverse complement: TYMP is on the minus strand). VCF-style (leftmost placement, unchanged base first): chr22-50527638-TA-T. GRCh37 (hg19) VCF-style: chr22-50966067-TA-T.
Other names: c.595del, p.Tyr199fs (NM_001113755.3, NM_001113756.3, NM_001257988.1 and 1 more transcripts); short protein forms Y199fs.
Identifiers: ClinVar variation 5016315 (VCV005016315.1).

ClinVar aggregate classification (germline): Pathogenic (1 of 4 stars; one submission).

Conditions:
Mitochondrial DNA depletion syndrome 1. Also called: POLIP SYNDROME; POLYNEUROPATHY, OPHTHALMOPLEGIA, LEUKOENCEPHALOPATHY, AND INTESTINAL PSEUDOOBSTRUCTION; Mitochondrial Neurogastrointestinal Encephalopathy Disease; MITOCHONDRIAL NEUROGASTROINTESTINAL ENCEPHALOPATHY SYNDROME, TYMP-RELATED; MNGIE, TYMP-RELATED; Mitochondrial neurogastrointestinal encephalomyopathy syndrome. Identifiers: Orphanet 298, MedGen C4551995, MONDO:0011283, OMIM 603041.

Submission:

Myriad Genetics, Inc.
Classification: Pathogenic for Mitochondrial DNA depletion syndrome 1. Last evaluated: 2026-09-04. Review status: criteria provided, single submitter. Criteria: Myriad Autosomal Dominant, Autosomal Recessive and X-Linked Classification Criteria (2023). Collection method: clinical testing. Allele origin: unknown.
Comment: NM_001953.4(TYMP):c.595delT(Y199Mfs*6) is expected to be pathogenic in the context of mitochondrial neurogastrointestinal encephalopathy disease. This variant is predicted to lead to an abnormal or absent protein product due to the creation of a premature termination codon in TYMP, a gene where loss-of-function variants are known to be pathogenic. Please note: this variant was assessed in the context of healthy population screening.